The following is an entry in ClinVar:

ClinVar aggregate classification (germline): Uncertain significance. Review status: criteria provided, multiple submitters, no conflicts (2 of 4 stars). 2 submissions from 2 submitters: Uncertain significance (2). Last evaluated 2025-09-01.

Conditions:
Inborn genetic diseases. Identifiers: MedGen C0950123, MeSH D030342.

Allele frequency attached by ClinVar (database versions not stated): gnomAD exomes below 0.00001 and 0.00001; gnomAD 0.00003 and 0.00004; TOPMed 0.00003; ExAC 0.00004.
gnomAD v4.1: 8 of 1,611,184 alleles (0.0005%); highest among the groups gnomAD compares: African/African-American, 0.0093%; no homozygotes.

Submissions (2):

Ambry Genetics
Classification: Uncertain significance for Inborn genetic diseases. Last evaluated: 2025-09-01. Review status: criteria provided, single submitter. Criteria: Ambry Variant Classification Scheme 2023. Collection method: clinical testing. Allele origin: germline.

Laboratory for Molecular Medicine, Mass General Brigham Personalized Medicine
Classification: Uncertain significance. Last evaluated: 2013-11-13. Review status: criteria provided, single submitter. Criteria: LMM Criteria. Collection method: clinical testing. Allele origin: germline. Observed: 1 variant allele.
Comment: The Phe292Ser variant in GIPC3 has not been previously reported in individuals w ith hearing loss, and frequency data from large population studies is insufficie nt. Computational tools (amino acid biochemical properties, conservation, SIFT, PolyPhen-2, AlignGVGD) suggest that this variant may impact the protein, though this information is not predictive enough to determine pathogenicity. In summary , additional information is needed to fully assess the clinical significance of this variant.

NM_133261.3(GIPC3):c.875T>C (p.Phe292Ser)

Gene: GIPC3 (GIPC PDZ domain containing family member 3; plus strand). Cytogenetic location: 19p13.3.
Variant type: single nucleotide variant.
Coding change: c.875T>C on transcript NM_133261.3 (MANE Select); coding-DNA position 875, T replaced by C.
Protein change: p.Phe292Ser; replaces phenylalanine 292 with serine.
Molecular consequence: missense variant.
Genome position (GRCh38, 1-based): chr19:3,590,126, T>C. VCF-style: chr19-3590126-T-C. GRCh37 (hg19) VCF-style: chr19-3590124-T-C.
Other names: short protein forms F292S.
Identifiers: ClinVar variation 163511 (VCV000163511.5), dbSNP rs727503065, ClinGen allele CA176156.